The following is an entry in ClinVar:

ClinVar aggregate classification (germline): Benign. Review status: criteria provided, multiple submitters, no conflicts (2 of 4 stars). 5 submissions from 5 submitters: Benign (4). 1 of the submissions does not count toward it. Last evaluated 2018-07-27.

Conditions:
Inborn genetic diseases. Identifiers: MedGen C0950123, MeSH D030342.

Allele frequency attached by ClinVar (database versions not stated): gnomAD exomes 0.58756; ExAC 0.59425; 1000 Genomes Project 0.63550; 1000 Genomes Project 30x 0.63913; gnomAD 0.67668; TOPMed 0.68673; ESP Exome Variant Server 0.70709.

Submissions (5):

GeneDx
Classification: Benign. Last evaluated: 2018-07-27. Review status: criteria provided, single submitter. Criteria: GeneDx Variant Classification Process June 2021. Collection method: clinical testing. Allele origin: germline. Affected: yes.

Ambry Genetics
Classification: Benign for Inborn genetic diseases. Last evaluated: 2016-03-16. Review status: criteria provided, single submitter. Criteria: Ambry Variant Classification Scheme 2023. Collection method: clinical testing. Allele origin: germline.

Eurofins Ntd Llc (ga)
Classification: Benign. Last evaluated: 2013-08-14. Review status: criteria provided, single submitter. Criteria: EGL Classification Definitions 2015. Collection method: clinical testing. Allele origin: germline. Observed: 8 variant alleles, 1 heterozygote, 1 homozygote, 6 hemizygotes.

Breakthrough Genomics
Classification: Benign. Review status: criteria provided, single submitter. Criteria: ACMG Guidelines, 2015. Collection method: not provided. Allele origin: germline. Inheritance: X-linked inheritance. Affected: yes.

Genetic Services Laboratory, University of Chicago
Classification: Likely benign for AllHighlyPenetrant. Review status: no assertion criteria provided. Collection method: clinical testing. Allele origin: germline. Inheritance: X-linked inheritance. Not counted in ClinVar's aggregate classification.
Comment: Likely benign based on allele frequency in 1000 Genomes Project or ESP global frequency and its presence in a patient with a rare or unrelated disease phenotype. NOT Sanger confirmed.

NM_173495.3(PTCHD1):c.858T>C (p.Cys286=)

Gene: PTCHD1 (patched domain containing 1; plus strand). Cytogenetic location: Xp22.11.
Variant type: single nucleotide variant.
Coding change: c.858T>C on transcript NM_173495.3 (MANE Select); coding-DNA position 858, T replaced by C.
Protein change: p.Cys286=; no amino-acid change (cysteine 286 retained).
Molecular consequence: synonymous variant.
Genome position (GRCh38, 1-based): chrX:23,380,097, T>C. VCF-style: chrX-23380097-T-C. GRCh37 (hg19) VCF-style: chrX-23398214-T-C.
Identifiers: ClinVar variation 96546 (VCV000096546.16), dbSNP rs5926304, ClinGen allele CA149606.